The following is an entry in ClinVar:

ClinVar aggregate classification (germline): Uncertain significance. Review status: criteria provided, multiple submitters, no conflicts (2 of 4 stars). 2 submissions from 2 submitters: Uncertain significance (2). Last evaluated 2025-05-19.

Conditions:
Inborn genetic diseases. Identifiers: MedGen C0950123, MeSH D030342.
Spastic paraplegia. Identifiers: MedGen C0037772, HP:0001258.

gnomAD v4.1: 1 of 1,612,800 alleles (0.000062%); highest among the groups gnomAD compares: African/African-American, 0.0013%; no homozygotes.

Submissions (2):

Ambry Genetics
Classification: Uncertain significance for Inborn genetic diseases. Last evaluated: 2025-05-19. Review status: criteria provided, single submitter. Criteria: Ambry Variant Classification Scheme 2023. Collection method: clinical testing. Allele origin: germline.

Labcorp Genetics (formerly Invitae), Labcorp
Classification: Uncertain significance for Spastic paraplegia. Last evaluated: 2025-02-26. Review status: criteria provided, single submitter. Criteria: Invitae Variant Classification Sherloc (09022015). Collection method: clinical testing. Allele origin: germline.
Comment: This sequence change replaces proline, which is neutral and non-polar, with serine, which is neutral and polar, at codon 1763 of the ZFYVE26 protein (p.Pro1763Ser). This variant is not present in population databases (gnomAD no frequency). This variant has not been reported in the literature in individuals affected with ZFYVE26-related conditions. An algorithm developed to predict the effect of missense changes on protein structure and function outputs the following: PolyPhen-2: "Benign". The serine amino acid residue is found in multiple mammalian species, which suggests that this missense change does not adversely affect protein function. In summary, the available evidence is currently insufficient to determine the role of this variant in disease. Therefore, it has been classified as a Variant of Uncertain Significance.

NM_015346.4(ZFYVE26):c.5287C>T (p.Pro1763Ser)

Gene: ZFYVE26 (zinc finger FYVE-type containing 26; minus strand). Cytogenetic location: 14q24.1.
Variant type: single nucleotide variant.
Coding change: c.5287C>T on transcript NM_015346.4 (MANE Select); coding-DNA position 5287, C replaced by T.
Protein change: p.Pro1763Ser; replaces proline 1763 with serine.
Molecular consequence: missense variant.
Genome position (GRCh38, 1-based): chr14:67,775,049, G>A on the plus strand (C>T on the coding strand, the complement: ZFYVE26 is on the minus strand). VCF-style: chr14-67775049-G-A. GRCh37 (hg19) VCF-style: chr14-68241766-G-A.
Other names: short protein forms P1763S.
Identifiers: ClinVar variation 3984894 (VCV003984894.2).
Genomic context (GRCh38, chr14:67,775,049, plus strand): 5'-TAGTGAATCATCAGAGCCAGTTCTTACCAGGAGGAGCAGCAGGAGAGAACTCTGCTGATG[G>A]TGATCTAGGGAGGGTCTCGGGATCTGCAGCCTGGTGGACAATTTCTTGGAGGTGAATCAC-3'
Protein context (NP_056161.2, residues 1753-1773): AADPETLPRS[Pro1763Ser]SAEFSPAAPP